The following is an entry in ClinVar:

ClinVar aggregate classification (germline): Uncertain significance (1 of 4 stars; one submission).

Allele frequency attached by ClinVar (database versions not stated): TOPMed 0.00001; gnomAD 0.00002; gnomAD exomes 0.00002 and 0.00006; ExAC 0.00003; ESP Exome Variant Server 0.00008.
gnomAD v4.1: 84 of 1,593,220 alleles (0.0053%); highest among the groups gnomAD compares: Non-Finnish European, 0.0071%; no homozygotes.

Submissions (2):

Labcorp Genetics (formerly Invitae), Labcorp
Classification: Uncertain significance. Last evaluated: 2022-07-24. Review status: criteria provided, single submitter. Criteria: Invitae Variant Classification Sherloc (09022015). Collection method: clinical testing. Allele origin: germline.
Comment: This sequence change falls in intron 35 of the RTTN gene. It does not directly change the encoded amino acid sequence of the RTTN protein. This variant is present in population databases (rs367848114, gnomAD 0.004%). This variant has not been reported in the literature in individuals affected with RTTN-related conditions. ClinVar contains an entry for this variant (Variation ID: 1499752). Algorithms developed to predict the effect of sequence changes on RNA splicing suggest that this variant may disrupt the consensus splice site. In summary, the available evidence is currently insufficient to determine the role of this variant in disease. Therefore, it has been classified as a Variant of Uncertain Significance.

Dr. Peter K. Rogan Lab, Western University
No classification provided (evidence only). Condition: Uterine corpus endometrial carcinoma. Review status: no classification provided. Collection method: in vitro. Allele origin: not applicable. Functional consequence: retained intron. Not counted in ClinVar's aggregate classification.

NM_173630.4(RTTN):c.4748-10T>G

Gene: RTTN (rotatin; minus strand). Cytogenetic location: 18q22.2.
Variant type: single nucleotide variant.
Coding change: c.4748-10T>G on transcript NM_173630.4 (MANE Select); 10 bases into the intron before coding-DNA position 4748, T replaced by G.
Molecular consequence: intron variant.
Genome position (GRCh38, 1-based): chr18:70,060,052, A>C on the plus strand (T>G on the coding strand, the complement: RTTN is on the minus strand). VCF-style: chr18-70060052-A-C. GRCh37 (hg19) VCF-style: chr18-67727288-A-C.
Other names: c.2012-10T>G (NM_001318520.2).
Identifiers: ClinVar variation 1499752 (VCV001499752.9), dbSNP rs367848114, ClinGen allele CA8995132.